The following is an entry in ClinVar:

ClinVar aggregate classification (germline): Conflicting classifications of pathogenicity. Review status: criteria provided, conflicting classifications (1 of 4 stars). 2 submissions from 2 submitters: Uncertain significance (1); Likely benign (1). Last evaluated 2022-10-26.

Conditions:
Inborn genetic diseases. Identifiers: MedGen C0950123, MeSH D030342.
Pseudo-Hurler polydystrophy. Also called: ML III; ML III ALPHA/BETA; Type III Mucolipidosis; ML IIIA; Mucolipidosis III Alpha/Beta; MUCOLIPIDOSIS IIIA. Identifiers: Orphanet 423461, Orphanet 577, MedGen C0033788, MONDO:0018931, OMIM 252600.
Mucolipidosis type II. Also called: ML II ALPHA/BETA; Mucolipidosis 2; ML 2; Inclusion cell disease; Leroy Disease; N-acetylglucosamine 1phosphotransferase deficiency. Identifiers: Orphanet 576, MedGen C2673377, MONDO:0009650, OMIM 252500.

Allele frequency attached by ClinVar (database versions not stated): TOPMed 0.00002.
gnomAD v4.1: 34 of 1,614,062 alleles (0.0021%); highest among the groups gnomAD compares: Non-Finnish European, 0.0029%; no homozygotes.

Submissions (2):

Ambry Genetics
Classification: Likely benign for Inborn genetic diseases. Last evaluated: 2022-10-26. Review status: criteria provided, single submitter. Criteria: Ambry Variant Classification Scheme 2023. Collection method: clinical testing. Allele origin: germline.

Labcorp Genetics (formerly Invitae), Labcorp
Classification: Uncertain significance for Pseudo-Hurler polydystrophy; Mucolipidosis type II. Last evaluated: 2021-08-28. Review status: criteria provided, single submitter. Criteria: Invitae Variant Classification Sherloc (09022015). Collection method: clinical testing. Allele origin: germline.
Comment: This sequence change replaces methionine with isoleucine at codon 627 of the GNPTAB protein (p.Met627Ile). The methionine residue is weakly conserved and there is a small physicochemical difference between methionine and isoleucine. This variant is not present in population databases (ExAC no frequency). This variant has not been reported in the literature in individuals affected with GNPTAB-related conditions. Advanced modeling of protein sequence and biophysical properties (such as structural, functional, and spatial information, amino acid conservation, physicochemical variation, residue mobility, and thermodynamic stability) performed at Invitae indicates that this missense variant is not expected to disrupt GNPTAB protein function. In summary, the available evidence is currently insufficient to determine the role of this variant in disease. Therefore, it has been classified as a Variant of Uncertain Significance.

NM_024312.5(GNPTAB):c.1881G>T (p.Met627Ile)

Gene: GNPTAB (N-acetylglucosamine-1-phosphate transferase subunits alpha and beta; minus strand). Cytogenetic location: 12q23.2.
Variant type: single nucleotide variant.
Coding change: c.1881G>T on transcript NM_024312.5 (MANE Select); coding-DNA position 1881, G replaced by T.
Protein change: p.Met627Ile; replaces methionine 627 with isoleucine.
Molecular consequence: missense variant.
Genome position (GRCh38, 1-based): chr12:101,765,036, C>A on the plus strand (G>T on the coding strand, the complement: GNPTAB is on the minus strand). VCF-style: chr12-101765036-C-A. GRCh37 (hg19) VCF-style: chr12-102158814-C-A.
Other names: c.1881G>T (NM_024312.4); short protein forms M627I.
Identifiers: ClinVar variation 1520424 (VCV001520424.6), dbSNP rs757613660, ClinGen allele CA386299492.